The following is an entry in ClinVar:

ClinVar aggregate classification (germline): Uncertain significance (1 of 4 stars; one submission).

Submission:

GeneDx
Classification: Uncertain significance. Last evaluated: 2024-01-07. Review status: criteria provided, single submitter. Criteria: GeneDx Variant Classification Process June 2021. Collection method: clinical testing. Allele origin: germline. Affected: yes.
Comment: Not observed at significant frequency in large population cohorts (gnomAD); In silico analysis supports that this missense variant has a deleterious effect on protein structure/function; Has not been previously published as pathogenic or benign to our knowledge

NM_001001331.4(ATP2B2):c.3113G>A (p.Gly1038Asp)

Gene: ATP2B2 (ATPase plasma membrane Ca2+ transporting 2; minus strand). Cytogenetic location: 3p25.3.
Variant type: single nucleotide variant.
Coding change: c.3113G>A on transcript NM_001001331.4 (MANE Select); coding-DNA position 3113, G replaced by A.
Protein change: p.Gly1038Asp; replaces glycine 1038 with aspartic acid.
Molecular consequence: missense variant.
Genome position (GRCh38, 1-based): chr3:10,340,509, C>T on the plus strand (G>A on the coding strand, the complement: ATP2B2 is on the minus strand). VCF-style: chr3-10340509-C-T. GRCh37 (hg19) VCF-style: chr3-10382193-C-T.
Other names: c.2978G>A, p.Gly993Asp (NM_001330611.3, NM_001353564.1, NM_001363862.1 and 1 more transcripts); short protein forms G1038D, G993D.
Identifiers: ClinVar variation 3367540 (VCV003367540.1).